The following is an entry in ClinVar:

NM_000245.4(MET):c.2076T>G (p.Ile692Met)

Gene: MET (MET proto-oncogene, receptor tyrosine kinase; plus strand). Cytogenetic location: 7q31.2.
Variant type: single nucleotide variant.
Coding change: c.2076T>G on transcript NM_000245.4 (MANE Select); coding-DNA position 2076, T replaced by G.
Protein change: p.Ile692Met; replaces isoleucine 692 with methionine.
Molecular consequence: missense variant.
Genome position (GRCh38, 1-based): chr7:116,757,748, T>G. VCF-style: chr7-116757748-T-G. GRCh37 (hg19) VCF-style: chr7-116397802-T-G.
Other names: c.786T>G, p.Ile262Met (NM_001324402.2); c.2076T>G, p.Ile692Met (NM_001127500.3, NM_001324401.3); c.2076T>G (NM_001127500.2); short protein forms I262M, I692M.
Identifiers: ClinVar variation 1428518 (VCV001428518.11), dbSNP rs752740791, ClinGen allele CA4448370.

ClinVar aggregate classification (germline): Uncertain significance. Review status: criteria provided, multiple submitters, no conflicts (2 of 4 stars). 4 submissions from 4 submitters: Uncertain significance (4). Last evaluated 2025-11-10.

Conditions:
Hereditary cancer-predisposing syndrome. Also called: Tumor predisposition; Hereditary neoplastic syndrome; Neoplastic Syndromes, Hereditary; Hereditary Cancer Syndrome. Identifiers: Orphanet 140162, MedGen C0027672, MeSH D009386, MONDO:0015356.
Renal cell carcinoma. Identifiers: Orphanet 217071, MedGen C0007134, MeSH D002292, MONDO:0005086, HP:0005584.

Allele frequency attached by ClinVar (database versions not stated): TOPMed below 0.00001; gnomAD exomes 0.00001; ExAC 0.00002.

Submissions (4):

Labcorp Genetics (formerly Invitae), Labcorp
Classification: Uncertain significance for Renal cell carcinoma. Last evaluated: 2025-11-10. Review status: criteria provided, single submitter. Criteria: Invitae Variant Classification Sherloc (09022015). Collection method: clinical testing. Allele origin: germline.
Comment: This sequence change replaces isoleucine, which is neutral and non-polar, with methionine, which is neutral and non-polar, at codon 692 of the MET protein (p.Ile692Met). This variant is present in population databases (rs752740791, gnomAD 0.006%). This variant has not been reported in the literature in individuals affected with MET-related conditions. ClinVar contains an entry for this variant (Variation ID: 1428518). Invitae Evidence Modeling of protein sequence and biophysical properties (such as structural, functional, and spatial information, amino acid conservation, physicochemical variation, residue mobility, and thermodynamic stability) indicates that this missense variant is not expected to disrupt MET protein function with a negative predictive value of 80%. In summary, the available evidence is currently insufficient to determine the role of this variant in disease. Therefore, it has been classified as a Variant of Uncertain Significance.

Ambry Genetics
Classification: Uncertain significance for Hereditary cancer-predisposing syndrome. Last evaluated: 2025-08-29. Review status: criteria provided, single submitter. Criteria: Ambry Variant Classification Scheme 2023. Collection method: clinical testing. Allele origin: germline.
Comment: The p.I692M variant (also known as c.2076T>G), located in coding exon 7 of the MET gene, results from a T to G substitution at nucleotide position 2076. The isoleucine at codon 692 is replaced by methionine, an amino acid with highly similar properties. This amino acid position is well conserved in available vertebrate species. In addition, this alteration is predicted to be tolerated by in silico analysis. Since supporting evidence is limited at this time, the clinical significance of this alteration remains unclear.

Quest Diagnostics Nichols Institute San Juan Capistrano
Classification: Uncertain significance. Last evaluated: 2024-12-24. Review status: criteria provided, single submitter. Criteria: Quest Diagnostics criteria. Collection method: clinical testing. Allele origin: unknown.

GeneDx
Classification: Uncertain significance. Last evaluated: 2022-06-23. Review status: criteria provided, single submitter. Criteria: GeneDx Variant Classification Process June 2021. Collection method: clinical testing. Allele origin: germline. Affected: yes.
Comment: Not observed at significant frequency in large population cohorts (gnomAD); In silico analysis supports that this missense variant does not alter protein structure/function; Has not been previously published as pathogenic or benign to our knowledge